The following is an entry in ClinVar:

NM_001267550.2(TTN):c.23547C>T (p.Asn7849=)

Gene: TTN (titin; minus strand). Cytogenetic location: 2q31.2.
Variant type: single nucleotide variant.
Coding change: c.23547C>T on transcript NM_001267550.2 (MANE Select); coding-DNA position 23547, C replaced by T.
Protein change: p.Asn7849=; no amino-acid change (asparagine 7849 retained).
Molecular consequence: synonymous variant. On other transcripts: intron variant (3).
Genome position (GRCh38, 1-based): chr2:178,720,095, G>A on the plus strand (C>T on the coding strand, the complement: TTN is on the minus strand). VCF-style: chr2-178720095-G-A. GRCh37 (hg19) VCF-style: chr2-179584822-G-A.
Other names: c.22596C>T, p.Asn7532= (NM_001256850.1); c.19815C>T, p.Asn6605= (NM_133378.4); c.13282+17987C>T (NM_003319.4); c.13858+17987C>T (NM_133437.4); c.13657+17987C>T (NM_133432.3).
Identifiers: ClinVar variation 3752156 (VCV003752156.6).

ClinVar aggregate classification (germline): Likely benign. Review status: criteria provided, multiple submitters, no conflicts (2 of 4 stars). 2 submissions from 2 submitters: Likely benign (2). Last evaluated 2026-01-01.

Conditions:
Autosomal recessive limb-girdle muscular dystrophy type 2J (LGMDR10). Also called: Limb-girdle muscular dystrophy, type 2J; MUSCULAR DYSTROPHY, LIMB-GIRDLE, AUTOSOMAL RECESSIVE 10. Identifiers: Orphanet 140922, MedGen C1837342, MONDO:0012127, OMIM 608807.
Dilated cardiomyopathy 1G (CMD1G). Identifiers: Orphanet 154, MedGen C1858763, MONDO:0011400, OMIM 604145.

gnomAD v4.1: 3 of 1,613,624 alleles (0.00019%); highest among the groups gnomAD compares: African/African-American, 0.0027%; no homozygotes.

Submissions (2):

CeGaT Center for Human Genetics Tuebingen
Classification: Likely benign. Last evaluated: 2026-01-01. Review status: criteria provided, single submitter. Criteria: CeGaT Center For Human Genetics Tuebingen Variant Classification Criteria Version 2. Collection method: clinical testing. Allele origin: germline. Affected: yes. Observed: 1 variant allele.
Comment: TTN: BP4, BP7

Labcorp Genetics (formerly Invitae), Labcorp
Classification: Likely benign for Dilated cardiomyopathy 1G; Autosomal recessive limb-girdle muscular dystrophy type 2J. Last evaluated: 2024-03-18. Review status: criteria provided, single submitter. Criteria: Invitae Variant Classification Sherloc (09022015). Collection method: clinical testing. Allele origin: germline.